The following is an entry in ClinVar:

ClinVar aggregate classification (germline): Uncertain significance (1 of 4 stars; one submission).

Allele frequency attached by ClinVar (database versions not stated): ExAC 0.00005; gnomAD 0.00007; ESP Exome Variant Server 0.00008; TOPMed 0.00008; gnomAD exomes 0.00014.
gnomAD v4.1: 207 of 1,601,052 alleles (0.013%); highest among the groups gnomAD compares: Non-Finnish European, 0.017%; no homozygotes.

Submission:

Labcorp Genetics (formerly Invitae), Labcorp
Classification: Uncertain significance. Last evaluated: 2022-07-17. Review status: criteria provided, single submitter. Criteria: Invitae Variant Classification Sherloc (09022015). Collection method: clinical testing. Allele origin: germline.
Comment: In summary, the available evidence is currently insufficient to determine the role of this variant in disease. Therefore, it has been classified as a Variant of Uncertain Significance. Algorithms developed to predict the effect of sequence changes on RNA splicing suggest that this variant is not likely to affect RNA splicing. This variant has not been reported in the literature in individuals affected with PIK3C2A-related conditions. This variant is present in population databases (rs371983600, gnomAD 0.009%). This sequence change affects codon 744 of the PIK3C2A mRNA. It is a 'silent' change, meaning that it does not change the encoded amino acid sequence of the PIK3C2A protein. It affects a nucleotide within the consensus splice site.

NM_002645.4(PIK3C2A):c.2230C>T (p.Leu744=)

Gene: PIK3C2A (phosphatidylinositol-4-phosphate 3-kinase catalytic subunit type 2 alpha; minus strand). Cytogenetic location: 11p15.1.
Variant type: single nucleotide variant.
Coding change: c.2230C>T on transcript NM_002645.4 (MANE Select); coding-DNA position 2230, C replaced by T.
Protein change: p.Leu744=; no amino-acid change (leucine 744 retained).
Molecular consequence: synonymous variant.
Genome position (GRCh38, 1-based): chr11:17,131,917, G>A on the plus strand (C>T on the coding strand, the complement: PIK3C2A is on the minus strand). VCF-style: chr11-17131917-G-A. GRCh37 (hg19) VCF-style: chr11-17153464-G-A.
Other names: c.2230C>T, p.Leu744= (NM_001321378.2, NM_001386870.1); c.1090C>T, p.Leu364= (NM_001321380.2).
Identifiers: ClinVar variation 2201310 (VCV002201310.2), dbSNP rs371983600, ClinGen allele CA5901165.